The following is an entry in ClinVar:

NM_031924.8(RSPH3):c.-374G>C

Genes: RSPH3 (radial spoke head 3; minus strand), TAGAP-AS1 (TAGAP antisense RNA 1; plus strand). Cytogenetic location: 6q25.3.
Variant type: single nucleotide variant.
Coding change: c.-374G>C on transcript NM_031924.8 (MANE Select); 374 bases upstream of the start codon, G replaced by C.
Molecular consequence: 5 prime UTR variant. On other transcripts: missense variant (1), non-coding transcript variant (1).
Genome position (GRCh38, 1-based): chr6:158,999,924, C>G on the plus strand (G>C on the coding strand, the complement: RSPH3 is on the minus strand). VCF-style: chr6-158999924-C-G. GRCh37 (hg19) VCF-style: chr6-159420956-C-G.
Other names: c.53G>C, p.Arg18Pro (NM_001346418.1); short protein forms R18P.
Identifiers: ClinVar variation 1004367 (VCV001004367.6), dbSNP rs778661797, ClinGen allele CA4076122.

ClinVar aggregate classification (germline): Uncertain significance (1 of 4 stars; one submission).

Conditions:
Primary ciliary dyskinesia 32. Also called: CILIARY DYSKINESIA, PRIMARY, 32, WITHOUT SITUS INVERSUS. Identifiers: Orphanet 244, MedGen C4225311, MONDO:0014657, OMIM 616481.

Allele frequency attached by ClinVar (database versions not stated): TOPMed 0.00002.

Submission:

Labcorp Genetics (formerly Invitae), Labcorp
Classification: Uncertain significance for Primary ciliary dyskinesia 32. Last evaluated: 2021-09-01. Review status: criteria provided, single submitter. Criteria: Invitae Variant Classification Sherloc (09022015). Collection method: clinical testing. Allele origin: germline.
Comment: This sequence change replaces arginine with proline at codon 18 of the RSPH3 protein (p.Arg18Pro). The arginine residue is weakly conserved and there is a moderate physicochemical difference between arginine and proline. The frequency data for this variant in the population databases is considered unreliable, as metrics indicate poor data quality at this position in the ExAC database. This variant has not been reported in the literature in individuals affected with RSPH3-related conditions. Algorithms developed to predict the effect of missense changes on protein structure and function are either unavailable or do not agree on the potential impact of this missense change (SIFT: "Deleterious"; PolyPhen-2: "Benign"; Align-GVGD: "Class C0"). In summary, the available evidence is currently insufficient to determine the role of this variant in disease. Therefore, it has been classified as a Variant of Uncertain Significance.